The following is an entry in ClinVar:

ClinVar aggregate classification (germline): Uncertain significance (1 of 4 stars; one submission).

Allele frequency attached by ClinVar (database versions not stated): TOPMed below 0.00001; gnomAD 0.00001.
gnomAD v4.1: 6 of 1,613,682 alleles (0.00037%); highest among the groups gnomAD compares: Non-Finnish European, 0.00051%; no homozygotes.

Submission:

Labcorp Genetics (formerly Invitae), Labcorp
Classification: Uncertain significance. Last evaluated: 2021-10-20. Review status: criteria provided, single submitter. Criteria: Invitae Variant Classification Sherloc (09022015). Collection method: clinical testing. Allele origin: germline.
Comment: In summary, the available evidence is currently insufficient to determine the role of this variant in disease. Therefore, it has been classified as a Variant of Uncertain Significance. Algorithms developed to predict the effect of missense changes on protein structure and function (SIFT, PolyPhen-2, Align-GVGD) all suggest that this variant is likely to be disruptive. This variant has not been reported in the literature in individuals affected with SCP2-related conditions. This variant is not present in population databases (ExAC no frequency). This sequence change replaces histidine with proline at codon 170 of the SCP2 protein (p.His170Pro). The histidine residue is highly conserved and there is a moderate physicochemical difference between histidine and proline.

NM_002979.5(SCP2):c.509A>C (p.His170Pro)

Gene: SCP2 (sterol carrier protein 2; plus strand). Cytogenetic location: 1p32.3.
Variant type: single nucleotide variant.
Coding change: c.509A>C on transcript NM_002979.5 (MANE Select); coding-DNA position 509, A replaced by C.
Protein change: p.His170Pro; replaces histidine 170 with proline.
Molecular consequence: missense variant.
Genome position (GRCh38, 1-based): chr1:52,961,615, A>C. VCF-style: chr1-52961615-A-C. GRCh37 (hg19) VCF-style: chr1-53427287-A-C.
Other names: c.377A>C, p.His126Pro (NM_001007098.3, NM_001193600.2); c.437A>C, p.His146Pro (NM_001193599.2); c.266A>C, p.His89Pro (NM_001193617.2); c.509A>C, p.His170Pro (NM_001330587.2); short protein forms H170P, H146P, H89P, H126P.
Identifiers: ClinVar variation 1426381 (VCV001426381.6), dbSNP rs1261065843, ClinGen allele CA340377908.